The following is an entry in ClinVar:

NM_153766.3(KCNJ1):c.101T>G (p.Phe34Cys)

Gene: KCNJ1 (potassium inwardly rectifying channel subfamily J member 1; minus strand). Cytogenetic location: 11q24.3.
Variant type: single nucleotide variant.
Coding change: c.101T>G on transcript NM_153766.3 (MANE Select); coding-DNA position 101, T replaced by G.
Protein change: p.Phe34Cys; replaces phenylalanine 34 with cysteine.
Molecular consequence: missense variant.
Genome position (GRCh38, 1-based): chr11:128,840,143, A>C on the plus strand (T>G on the coding strand, the complement: KCNJ1 is on the minus strand). VCF-style: chr11-128840143-A-C. GRCh37 (hg19) VCF-style: chr11-128710038-A-C.
Other names: c.158T>G, p.Phe53Cys (NM_000220.6); c.101T>G, p.Phe34Cys (NM_153764.3, NM_153767.4); c.152T>G, p.Phe51Cys (NM_153765.3); short protein forms F34C, F51C, F53C.
Identifiers: ClinVar variation 4882685 (VCV004882685.2).

ClinVar aggregate classification (germline): Uncertain significance (1 of 4 stars; one submission).

gnomAD v4.1: 2 of 1,614,172 alleles (0.00012%); highest among the groups gnomAD compares: Non-Finnish European, 0.00017%; no homozygotes.

Submission:

Dasa
Classification: Uncertain significance. Last evaluated: 2024-07-22. Review status: criteria provided, single submitter. Criteria: DASA Assertion Criteria. Collection method: clinical testing. Allele origin: germline.
Comment: NM_153766.3(KCNJ1):c.101T>G (p.Phe34Cys) is a missense variant that results in the substitution of phenylalanine with cysteine. This variant has been observed in affected individuals with KCNJ1-related disorders. Also, this variant is rare in population databases. The currently available literature and clinical evidence are not sufficient to establish a definitive association between this variant and the reported condition. Therefore, this variant is classified as a variant of uncertain significance.